The following is an entry in ClinVar:

NM_004946.3(DOCK2):c.3496A>G (p.Thr1166Ala)

Gene: DOCK2 (dedicator of cytokinesis 2; plus strand). Cytogenetic location: 5q35.1.
Variant type: single nucleotide variant.
Coding change: c.3496A>G on transcript NM_004946.3 (MANE Select); coding-DNA position 3496, A replaced by G.
Protein change: p.Thr1166Ala; replaces threonine 1166 with alanine.
Molecular consequence: missense variant. On other transcripts: non-coding transcript variant (1).
Genome position (GRCh38, 1-based): chr5:170,034,427, A>G. VCF-style: chr5-170034427-A-G. GRCh37 (hg19) VCF-style: chr5-169461431-A-G.
Other names: short protein forms T1166A.
Identifiers: ClinVar variation 969015 (VCV000969015.1), dbSNP rs1756249226, ClinGen allele CA362106988.

ClinVar aggregate classification (germline): Uncertain significance (1 of 4 stars; one submission).

Conditions:
DOCK2 deficiency. Also called: Immunodeficiency 40. Identifiers: Orphanet 447737, MedGen C4225328, MONDO:0014637, OMIM 616433.

Submission:

Labcorp Genetics (formerly Invitae), Labcorp
Classification: Uncertain significance for Immunodeficiency 40. Last evaluated: 2019-11-03. Review status: criteria provided, single submitter. Criteria: Invitae Variant Classification Sherloc (09022015). Collection method: clinical testing. Allele origin: germline.
Comment: This sequence change replaces threonine with alanine at codon 1166 of the DOCK2 protein (p.Thr1166Ala). The threonine residue is moderately conserved and there is a small physicochemical difference between threonine and alanine. This variant is not present in population databases (ExAC no frequency). This variant has not been reported in the literature in individuals with DOCK2-related conditions. Algorithms developed to predict the effect of missense changes on protein structure and function output the following: SIFT: "Tolerated"; PolyPhen-2: "Benign"; Align-GVGD: "Class C0". The alanine amino acid residue is found in multiple mammalian species, suggesting that this missense change does not adversely affect protein function. These predictions have not been confirmed by published functional studies and their clinical significance is uncertain. In summary, the available evidence is currently insufficient to determine the role of this variant in disease. Therefore, it has been classified as a Variant of Uncertain Significance.